The following is an entry in ClinVar:

NM_018685.5(ANLN):c.2083C>G (p.Arg695Gly)

Gene: ANLN (anillin, actin binding protein; plus strand). Cytogenetic location: 7p14.2.
Variant type: single nucleotide variant.
Coding change: c.2083C>G on transcript NM_018685.5 (MANE Select); coding-DNA position 2083, C replaced by G.
Protein change: p.Arg695Gly; replaces arginine 695 with glycine.
Molecular consequence: missense variant.
Genome position (GRCh38, 1-based): chr7:36,420,664, C>G. VCF-style: chr7-36420664-C-G. GRCh37 (hg19) VCF-style: chr7-36460273-C-G.
Other names: c.1972C>G, p.Arg658Gly (NM_001284301.3); c.1969C>G, p.Arg657Gly (NM_001284302.3); short protein forms R695G, R657G, R658G.
Identifiers: ClinVar variation 1504078 (VCV001504078.6), dbSNP rs375850531, ClinGen allele CA4219772.

ClinVar aggregate classification (germline): Uncertain significance (1 of 4 stars; one submission).

gnomAD v4.1: 4 of 1,612,924 alleles (0.00025%); highest among the groups gnomAD compares: Non-Finnish European, 0.00034%; no homozygotes.

Submission:

Labcorp Genetics (formerly Invitae), Labcorp
Classification: Uncertain significance. Last evaluated: 2021-07-29. Review status: criteria provided, single submitter. Criteria: Invitae Variant Classification Sherloc (09022015). Collection method: clinical testing. Allele origin: germline.
Comment: In summary, the available evidence is currently insufficient to determine the role of this variant in disease. Therefore, it has been classified as a Variant of Uncertain Significance. Algorithms developed to predict the effect of missense changes on protein structure and function are either unavailable or do not agree on the potential impact of this missense change (SIFT: "Tolerated"; PolyPhen-2: "Possibly Damaging"; Align-GVGD: "Class C0"). This missense change has been observed in individual(s) with focal segmental glomerulosclerosis (Invitae). This variant is present in population databases (rs375850531, ExAC 0.003%). This sequence change replaces arginine with glycine at codon 695 of the ANLN protein (p.Arg695Gly). The arginine residue is highly conserved and there is a moderate physicochemical difference between arginine and glycine.